The following is an entry in ClinVar:

NM_018344.6(SLC29A3):c.113G>A (p.Arg38His)

Gene: SLC29A3 (solute carrier family 29 member 3; plus strand). Cytogenetic location: 10q22.1.
Variant type: single nucleotide variant.
Coding change: c.113G>A on transcript NM_018344.6 (MANE Select); coding-DNA position 113, G replaced by A.
Protein change: p.Arg38His; replaces arginine 38 with histidine.
Molecular consequence: missense variant. On other transcripts: 5 prime UTR variant (1), non-coding transcript variant (2).
Genome position (GRCh38, 1-based): chr10:71,322,867, G>A. VCF-style: chr10-71322867-G-A. GRCh37 (hg19) VCF-style: chr10-73082624-G-A.
Other names: c.113G>A, p.Arg38His (NM_001174098.2); c.-122G>A (NM_001363518.2); short protein forms R38H.
Identifiers: ClinVar variation 860275 (VCV000860275.9), dbSNP rs201238600, ClinGen allele CA5542819.

ClinVar aggregate classification (germline): Conflicting classifications of pathogenicity. Review status: criteria provided, conflicting classifications (1 of 4 stars). 3 submissions from 3 submitters: Uncertain significance (1); Likely benign (2). Last evaluated 2026-08-27.

Conditions:
Inborn genetic diseases. Identifiers: MedGen C0950123, MeSH D030342.
H syndrome. Also called: HISTIOCYTOSIS AND LYMPHADENOPATHY WITH OR WITHOUT CUTANEOUS, CARDIAC, AND/OR ENDOCRINE FEATURES, JOINT CONTRACTURES, AND/OR DEAFNESS; HYPERPIGMENTATION, CUTANEOUS, WITH HYPERTRICHOSIS, HEPATOSPLENOMEGALY, HEART ANOMALIES, AND HYPOGONADISM WITH OR WITHOUT HEARING LOSS; PIGMENTED HYPERTRICHOSIS WITH INSULIN-DEPENDENT DIABETES MELLITUS; ROSAI-DORFMAN DISEASE, FAMILIAL; SINUS HISTIOCYTOSIS AND MASSIVE LYMPHADENOPATHY; Hyperpigmentation, Cutaneous, with Hypertrichosis, Hepatosplenomegaly, Heart Anomalies, Hearing Loss, and Hypogonadism. Identifiers: Orphanet 168569, MedGen C1864445, MONDO:0011273, OMIM 602782.
SLC29A3-related disorder. Also called: SLC29A3-related condition.

Allele frequency attached by ClinVar (database versions not stated): gnomAD 0.00006 and 0.00009; TOPMed 0.00006; gnomAD exomes 0.00017; ExAC 0.00022; 1000 Genomes Project 0.00040; 1000 Genomes Project 30x 0.00062.
gnomAD v4.1: 151 of 1,614,174 alleles (0.0094%); highest among the groups gnomAD compares: South Asian, 0.1%; no homozygotes.

Submissions (3):

PreventionGenetics, part of Exact Sciences
Classification: Uncertain significance for SLC29A3-related condition. Last evaluated: 2026-08-27. Review status: criteria provided, single submitter. Criteria: ACMG Guidelines, 2015. Collection method: clinical testing. Allele origin: germline.
Comment: The SLC29A3 c.113G>A variant is predicted to result in the amino acid substitution p.Arg38His. To our knowledge, this variant has not been reported in the literature. This variant is reported in 0.11% of alleles in individuals of South Asian descent in gnomAD. Although we suspect that this variant may be benign, at this time, the clinical significance of this variant is uncertain due to the absence of conclusive functional and genetic evidence.

Labcorp Genetics (formerly Invitae), Labcorp
Classification: Likely benign for H syndrome. Last evaluated: 2025-12-06. Review status: criteria provided, single submitter. Criteria: Invitae Variant Classification Sherloc (09022015). Collection method: clinical testing. Allele origin: germline.

Ambry Genetics
Classification: Likely benign for Inborn genetic diseases. Last evaluated: 2025-10-18. Review status: criteria provided, single submitter. Criteria: Ambry Variant Classification Scheme 2023. Collection method: clinical testing. Allele origin: germline.